The following is an entry in ClinVar:

NM_002490.6(NDUFA6):c.252T>G (p.Ile84Met)

Gene: NDUFA6 (NADH:ubiquinone oxidoreductase subunit A6; minus strand). Cytogenetic location: 22q13.2.
Variant type: single nucleotide variant.
Coding change: c.252T>G on transcript NM_002490.6 (MANE Select); coding-DNA position 252, T replaced by G.
Protein change: p.Ile84Met; replaces isoleucine 84 with methionine.
Molecular consequence: missense variant.
Genome position (GRCh38, 1-based): chr22:42,087,063, A>C on the plus strand (T>G on the coding strand, the complement: NDUFA6 is on the minus strand). VCF-style: chr22-42087063-A-C. GRCh37 (hg19) VCF-style: chr22-42483067-A-C.
Other names: short protein forms I84M.
Identifiers: ClinVar variation 1436243 (VCV001436243.6), dbSNP rs1383748654, ClinGen allele CA411775481.
Genomic context (GRCh38, chr22:42,087,063, plus strand): 5'-TAAGAAGTAGTGGACAAGTTGGCTGATCTTTTAAATTGGTCAGGGAGGGTCAGTTACCTT[A>C]ATGACCAGAAGATCAACCACCCTGGGGTCTGTGACATGGGCATTCTTCATAAACATTTCT-3'
Protein context (NP_002481.3, residues 74-94): TDPRVVDLLV[Ile84Met]KGKIELEETI

ClinVar aggregate classification (germline): Uncertain significance (1 of 4 stars; one submission).

Allele frequency attached by ClinVar (database versions not stated): gnomAD exomes 0.00001; TOPMed 0.00002; gnomAD 0.00003.
gnomAD v4.1: 21 of 1,607,782 alleles (0.0013%); highest among the groups gnomAD compares: Non-Finnish European, 0.0018%; no homozygotes.

Submission:

Labcorp Genetics (formerly Invitae), Labcorp
Classification: Uncertain significance. Last evaluated: 2022-12-06. Review status: criteria provided, single submitter. Criteria: Invitae Variant Classification Sherloc (09022015). Collection method: clinical testing. Allele origin: germline.
Comment: In summary, the available evidence is currently insufficient to determine the role of this variant in disease. Therefore, it has been classified as a Variant of Uncertain Significance. Algorithms developed to predict the effect of missense changes on protein structure and function are either unavailable or do not agree on the potential impact of this missense change (SIFT: "Not Available"; PolyPhen-2: "Possibly Damaging"; Align-GVGD: "Not Available"). ClinVar contains an entry for this variant (Variation ID: 1436243). This variant has not been reported in the literature in individuals affected with NDUFA6-related conditions. This variant is not present in population databases (gnomAD no frequency). This sequence change replaces isoleucine with methionine at codon 110 of the NDUFA6 protein (p.Ile110Met). The isoleucine residue is highly conserved and there is a small physicochemical difference between isoleucine and methionine.